The following is an entry in ClinVar:

ClinVar aggregate classification (germline): Likely benign (1 of 4 stars; one submission).

Conditions:
SCN9A-related disorder. Also called: SCN9A-related disorders; SCN9A-related condition.

gnomAD v4.1: 59 of 1,581,610 alleles (0.0037%); highest among the groups gnomAD compares: Non-Finnish European, 0.0047%; no homozygotes.

Submission:

PreventionGenetics, part of Exact Sciences
Classification: Likely benign for SCN9A-related condition. Last evaluated: 2026-04-25. Review status: criteria provided, single submitter. Criteria: ACMG Guidelines, 2015. Collection method: clinical testing. Allele origin: germline.
Comment: This variant is classified as likely benign based on ACMG/AMP sequence variant interpretation guidelines (Richards et al. 2015 PMID: 25741868, with internal and published modifications).

NM_001365536.1(SCN9A):c.-10G>A

Gene: SCN9A (sodium voltage-gated channel alpha subunit 9; minus strand). Cytogenetic location: 2q24.3.
Variant type: single nucleotide variant.
Coding change: c.-10G>A on transcript NM_001365536.1 (MANE Select); 10 bases upstream of the start codon, G replaced by A.
Molecular consequence: 5 prime UTR variant.
Genome position (GRCh38, 1-based): chr2:166,311,766, C>T on the plus strand (G>A on the coding strand, the complement: SCN9A is on the minus strand). VCF-style: chr2-166311766-C-T. GRCh37 (hg19) VCF-style: chr2-167168276-C-T.
Other names: c.-10G>A (NM_002977.4).
Identifiers: ClinVar variation 4979743 (VCV004979743.1).